The following is an entry in ClinVar:

NM_033380.3(COL4A5):c.2420dup (p.Gly808fs)

Gene: COL4A5 (collagen type IV alpha 5 chain; plus strand). Cytogenetic location: Xq22.3.
Variant type: Duplication.
Coding change: c.2420dup on transcript NM_033380.3 (MANE Select); coding-DNA position 2420, one base duplicated (C; older notation c.2420dupC).
Protein change: p.Gly808fs; shifts the reading frame from glycine 808.
Molecular consequence: frameshift variant.
Genome position (GRCh38, 1-based): chrX:108,614,935, C duplicated; the last of 2 consecutive C bases (chrX:108,614,934-108,614,935); duplicating either gives the same sequence. VCF-style (leftmost placement, unchanged base first): chrX-108614933-A-AC. GRCh37 (hg19) VCF-style: chrX-107858163-A-AC.
Other names: c.2420dup, p.Gly808fs (NM_000495.5); short protein forms G808fs.
Identifiers: ClinVar variation 5011863 (VCV005011863.1).
Genomic context (GRCh38, chrX:108,614,933, plus strand): 5'-GTTGCTTTTAATATTTAAACTGTATTTATTTCTTAAAGGTGATGTTGGACCAAATGGACA[A>AC]CCTGGACCAATGGGACCTCCTGGGCTGCCAGGAATAGGTGTTCAGGGACCACCAGGACCA-3'

ClinVar aggregate classification (germline): Pathogenic (1 of 4 stars; one submission).

Conditions:
X-linked Alport syndrome (ATS1). Also called: NEPHROPATHY AND DEAFNESS, X-LINKED; COL4A5-Related Nephropathy. Identifiers: Orphanet 63, Orphanet 88917, MedGen C4746986, MONDO:0010520, OMIM 301050.

Submission:

Myriad Genetics, Inc.
Classification: Pathogenic for X-linked Alport syndrome. Last evaluated: 2023-09-27. Review status: criteria provided, single submitter. Criteria: Myriad Autosomal Dominant, Autosomal Recessive and X-Linked Classification Criteria (2023). Collection method: clinical testing. Allele origin: unknown.
Comment: NM_000495.4(COL4A5):c.2420dupC(G808Wfs*47) is expected to be pathogenic in the context of X-linked Alport syndrome. This variant is predicted to lead to an abnormal or absent protein product due to the creation of a premature termination codon in COL4A5, a gene where loss-of-function variants are known to be pathogenic. Please note: this variant was assessed in the context of healthy population screening.